The following is an entry in ClinVar:

ClinVar aggregate classification (germline): Uncertain significance (1 of 4 stars; one submission).

Conditions:
Long QT syndrome (LQTS). Identifiers: MedGen C0023976, MeSH D008133, MONDO:0002442. Disease mechanism: loss of function. Inheritance: Various modes of inheritance.

Submission:

Labcorp Genetics (formerly Invitae), Labcorp
Classification: Uncertain significance for Long QT syndrome. Last evaluated: 2025-03-21. Review status: criteria provided, single submitter. Criteria: Invitae Variant Classification Sherloc (09022015). Collection method: clinical testing. Allele origin: germline.
Comment: This sequence change replaces isoleucine, which is neutral and non-polar, with phenylalanine, which is neutral and non-polar, at codon 733 of the ANK2 protein (p.Ile733Phe). This variant is not present in population databases (gnomAD no frequency). This variant has not been reported in the literature in individuals affected with ANK2-related conditions. Invitae Evidence Modeling of protein sequence and biophysical properties (such as structural, functional, and spatial information, amino acid conservation, physicochemical variation, residue mobility, and thermodynamic stability) has been performed for this missense variant. However, the output from this modeling did not meet the statistical confidence thresholds required to predict the impact of this variant on ANK2 protein function. In summary, the available evidence is currently insufficient to determine the role of this variant in disease. Therefore, it has been classified as a Variant of Uncertain Significance.

NM_001148.6(ANK2):c.2197A>T (p.Ile733Phe)

Gene: ANK2 (ankyrin 2; plus strand). Cytogenetic location: 4q26.
Variant type: single nucleotide variant.
Coding change: c.2197A>T on transcript NM_001148.6 (MANE Select); coding-DNA position 2197, A replaced by T.
Protein change: p.Ile733Phe; replaces isoleucine 733 with phenylalanine.
Molecular consequence: missense variant.
Genome position (GRCh38, 1-based): chr4:113,288,406, A>T. VCF-style: chr4-113288406-A-T. GRCh37 (hg19) VCF-style: chr4-114209562-A-T.
Other names: c.2134A>T, p.Ile712Phe (NM_001127493.3, NM_001354239.2, NM_001354243.2 and 10 more transcripts); c.2197A>T, p.Ile733Phe (NM_001354225.2, NM_001354228.2, NM_001354232.2 and 6 more transcripts); c.2242A>T, p.Ile748Phe (NM_001354230.2, NM_001354231.2, NM_001354237.2 and 5 more transcripts); c.2098A>T, p.Ile700Phe (NM_001354245.2, NM_001354268.2); c.2110A>T, p.Ile704Phe (NM_001354249.2, NM_001354264.2, NM_001354266.2 and 10 more transcripts); c.2035A>T, p.Ile679Phe (NM_001354253.2, NM_001354257.2, NM_001354270.2 and 1 more transcripts); c.2011A>T, p.Ile671Phe (NM_001354260.2, NM_001354271.2, NM_001386151.1); c.2155A>T, p.Ile719Phe (NM_001354261.2, NM_001386147.1, NM_001386160.1); and 8 more; short protein forms I605F, I638F, I663F, I679F, I712F, I733F, I748F, I667F.
Identifiers: ClinVar variation 4742196 (VCV004742196.1).
Genomic context (GRCh38, chr4:113,288,406, plus strand): 5'-TTTCTACTTTATCTATTTTTAACTTTTTATTATTATTTACAGCTTGGTTACACACCTTTA[A>T]TTGTGGCCTGTCACTATGGAAATGTGAAAATGGTCAACTTTCTTCTGAAGCAGGGAGCAA-3'
Protein context (NP_001139.3, residues 723-743): AHTKLGYTPL[Ile733Phe]VACHYGNVKM